The following is an entry in ClinVar:

NM_177550.5(SLC13A5):c.905T>G (p.Leu302Arg)

Gene: SLC13A5 (solute carrier family 13 member 5; minus strand). Cytogenetic location: 17p13.1.
Variant type: single nucleotide variant.
Coding change: c.905T>G on transcript NM_177550.5 (MANE Select); coding-DNA position 905, T replaced by G.
Protein change: p.Leu302Arg; replaces leucine 302 with arginine.
Molecular consequence: missense variant.
Genome position (GRCh38, 1-based): chr17:6,695,876, A>C on the plus strand (T>G on the coding strand, the complement: SLC13A5 is on the minus strand). VCF-style: chr17-6695876-A-C. GRCh37 (hg19) VCF-style: chr17-6599195-A-C.
Other names: c.905T>G, p.Leu302Arg (NM_001143838.3); c.854T>G, p.Leu285Arg (NM_001284509.2); c.776T>G, p.Leu259Arg (NM_001284510.2); short protein forms L259R, L285R, L302R.
Identifiers: ClinVar variation 3901347 (VCV003901347.2).
Genomic context (GRCh38, chr17:6,695,876, plus strand): 5'-CAGATCAGCACGTTGATCTCCGCGAAGGACAAGGGCCCCAGCTTCCGGTACTCCTCCTGC[A>C]GCACCTTGAGGGCAGCCTTCTCGTTTTTCTTGCTCTCTAGCCCGCAGCCCCAGGACTTTT-3'
Protein context (NP_808218.1, residues 292-312): KKNEKAALKV[Leu302Arg]QEEYRKLGPL

ClinVar aggregate classification (germline): Uncertain significance. Review status: criteria provided, multiple submitters, no conflicts (2 of 4 stars). 2 submissions from 2 submitters: Uncertain significance (2). Last evaluated 2025-08-17.

Conditions:
Developmental and epileptic encephalopathy, 25 (DEE25). Also called: Developmental and epileptic encephalopathy 25, with amelogenesis imperfecta; Epileptic encephalopathy, early infantile, 25, with amelogenesis imperfecta; Epileptic encephalopathy, early infantile, 25. Identifiers: Orphanet 442835, MedGen C4014621, MONDO:0014392, OMIM 615905.

Submissions (2):

Labcorp Genetics (formerly Invitae), Labcorp
Classification: Uncertain significance for Developmental and epileptic encephalopathy, 25. Last evaluated: 2025-08-17. Review status: criteria provided, single submitter. Criteria: Invitae Variant Classification Sherloc (09022015). Collection method: clinical testing. Allele origin: germline.
Comment: This sequence change replaces leucine, which is neutral and non-polar, with arginine, which is basic and polar, at codon 302 of the SLC13A5 protein (p.Leu302Arg). This variant is not present in population databases (gnomAD no frequency). This variant has not been reported in the literature in individuals affected with SLC13A5-related conditions. ClinVar contains an entry for this variant (Variation ID: 3901347). Invitae Evidence Modeling of protein sequence and biophysical properties (such as structural, functional, and spatial information, amino acid conservation, physicochemical variation, residue mobility, and thermodynamic stability) indicates that this missense variant is expected to disrupt SLC13A5 protein function with a positive predictive value of 80%. In summary, the available evidence is currently insufficient to determine the role of this variant in disease. Therefore, it has been classified as a Variant of Uncertain Significance.

GeneDx
Classification: Uncertain significance. Last evaluated: 2024-12-07. Review status: criteria provided, single submitter. Criteria: GeneDx Variant Classification Process June 2021. Collection method: clinical testing. Allele origin: germline. Affected: yes.
Comment: Not observed at significant frequency in large population cohorts (gnomAD); In silico analysis supports that this missense variant has a deleterious effect on protein structure/function; Has not been previously published as pathogenic or benign to our knowledge